The following is an entry in ClinVar:

ClinVar aggregate classification (germline): Likely benign. Review status: criteria provided, multiple submitters, no conflicts (2 of 4 stars). 2 submissions from 2 submitters: Likely benign (2). Last evaluated 2018-06-19.

Allele frequency attached by ClinVar (database versions not stated): 1000 Genomes Project 30x 0.00874; 1000 Genomes Project 0.00879; gnomAD 0.02005 and 0.02057; TOPMed 0.02052.
gnomAD v4.1: 3,025 of 152,338 alleles (2%); highest among the groups gnomAD compares: Admixed American, 4.3%; 55 homozygotes.

Submissions (2):

GeneDx
Classification: Likely benign. Last evaluated: 2018-06-19. Review status: criteria provided, single submitter. Criteria: GeneDx Variant Classification (06012015). Collection method: clinical testing. Allele origin: germline. Affected: yes.
Comment: This variant is considered likely benign or benign based on one or more of the following criteria: it is a conservative change, it occurs at a poorly conserved position in the protein, it is predicted to be benign by multiple in silico algorithms, and/or has population frequency not consistent with disease.

Breakthrough Genomics
Classification: Likely benign. Review status: criteria provided, single submitter. Criteria: ACMG Guidelines, 2015. Collection method: not provided. Allele origin: germline. Inheritance: Autosomal recessive inheritance. Affected: yes.

NM_001875.5(CPS1):c.2960-166A>G

Gene: CPS1 (carbamoyl-phosphate synthase 1; plus strand). Cytogenetic location: 2q34.
Variant type: single nucleotide variant.
Coding change: c.2960-166A>G on transcript NM_001875.5 (MANE Select); 166 bases into the intron before coding-DNA position 2960, A replaced by G.
Molecular consequence: intron variant.
Genome position (GRCh38, 1-based): chr2:210,642,318, A>G. VCF-style: chr2-210642318-A-G. GRCh37 (hg19) VCF-style: chr2-211507042-A-G.
Other names: c.2960-166A>G (NM_001369257.1, NM_001122633.3); c.2993-166A>G (NM_001369256.1).
Identifiers: ClinVar variation 674260 (VCV000674260.2), dbSNP rs114814055, ClinGen allele CA64725297.